The following is an entry in ClinVar:

NM_001197104.2(KMT2A):c.6662C>G (p.Thr2221Ser)

Gene: KMT2A (lysine methyltransferase 2A; plus strand). Cytogenetic location: 11q23.3.
Variant type: single nucleotide variant.
Coding change: c.6662C>G on transcript NM_001197104.2 (MANE Select); coding-DNA position 6662, C replaced by G.
Protein change: p.Thr2221Ser; replaces threonine 2221 with serine.
Molecular consequence: missense variant.
Genome position (GRCh38, 1-based): chr11:118,502,554, C>G. VCF-style: chr11-118502554-C-G. GRCh37 (hg19) VCF-style: chr11-118373269-C-G.
Other names: c.6752C>G, p.Thr2251Ser (NM_001412597.1); c.6653C>G, p.Thr2218Ser (NM_005933.4); short protein forms T2218S, T2251S, T2221S.
Identifiers: ClinVar variation 2695523 (VCV002695523.3), dbSNP rs2496989737, ClinGen allele CA382802593.
Genomic context (GRCh38, chr11:118,502,554, plus strand): 5'-CTTCCTTATCACCCCAGCGGTCCAAACTCCGGATAATGTCTCCAATGAGAACTGGGAATA[C>G]TTACTCTAGGAATAATGTTTCCTCAGTCTCCACCACCGGGACCGCTACTGATCTTGAATC-3'
Protein context (NP_001184033.1, residues 2211-2231): RIMSPMRTGN[Thr2221Ser]YSRNNVSSVS

ClinVar aggregate classification (germline): Uncertain significance (1 of 4 stars; one submission).

Submission:

Labcorp Genetics (formerly Invitae), Labcorp
Classification: Uncertain significance. Last evaluated: 2023-11-19. Review status: criteria provided, single submitter. Criteria: Invitae Variant Classification Sherloc (09022015). Collection method: clinical testing. Allele origin: germline.
Comment: This sequence change replaces threonine, which is neutral and polar, with serine, which is neutral and polar, at codon 2221 of the KMT2A protein (p.Thr2221Ser). This variant is not present in population databases (gnomAD no frequency). This variant has not been reported in the literature in individuals affected with KMT2A-related conditions. Advanced modeling of protein sequence and biophysical properties (such as structural, functional, and spatial information, amino acid conservation, physicochemical variation, residue mobility, and thermodynamic stability) performed at Invitae indicates that this missense variant is not expected to disrupt KMT2A protein function with a negative predictive value of 95%. In summary, the available evidence is currently insufficient to determine the role of this variant in disease. Therefore, it has been classified as a Variant of Uncertain Significance.